The following is an entry in ClinVar:

NM_001134407.3(GRIN2A):c.1593G>A (p.Thr531=)

Gene: GRIN2A (glutamate ionotropic receptor NMDA type subunit 2A; minus strand). Cytogenetic location: 16p13.2.
Variant type: single nucleotide variant.
Coding change: c.1593G>A on transcript NM_001134407.3 (MANE Select); coding-DNA position 1593, G replaced by A.
Protein change: p.Thr531=; no amino-acid change (threonine 531 retained).
Molecular consequence: synonymous variant.
Genome position (GRCh38, 1-based): chr16:9,840,705, C>T on the plus strand (G>A on the coding strand, the complement: GRIN2A is on the minus strand). VCF-style: chr16-9840705-C-T. GRCh37 (hg19) VCF-style: chr16-9934562-C-T.
Other names: c.1593G>A, p.Thr531= (NM_000833.5, NM_001134408.2).
Identifiers: ClinVar variation 383004 (VCV000383004.7), dbSNP rs957436270, ClinGen allele CA16607511.
Genomic context (GRCh38, chr16:9,840,705, plus strand): 5'-ACCTAGAAAAGCAGAAGGTGAGACGGTGCCATTACTTCTTGAAACCATGACACTGATTCC[C>T]GTTTCCACAAAGGGCACAGAGAAGTCCACCACTTCAGAACGTTCCTCATTGATGGTGAGC-3'
Protein context (NP_001127879.1, residues 521-541): VVDFSVPFVE[Thr531=]GISVMVSRSN

ClinVar aggregate classification (germline): Likely benign. Review status: criteria provided, multiple submitters, no conflicts (2 of 4 stars). 2 submissions from 2 submitters: Likely benign (2). Last evaluated 2025-11-03.

Conditions:
Landau-Kleffner syndrome (FESD). Also called: EPILEPSY, FOCAL, WITH SPEECH DISORDER AND WITH OR WITHOUT MENTAL RETARDATION; APHASIA, ACQUIRED, WITH EPILEPSY. Identifiers: Orphanet 1945, Orphanet 725, Orphanet 98818, MedGen C0282512, MONDO:0009509, OMIM 245570.

Allele frequency attached by ClinVar (database versions not stated): gnomAD exomes 0.00001 and 0.00002; gnomAD 0.00001; TOPMed 0.00002.
gnomAD v4.1: 26 of 1,613,174 alleles (0.0016%); highest among the groups gnomAD compares: East Asian, 0.0067%; no homozygotes.

Submissions (2):

Labcorp Genetics (formerly Invitae), Labcorp
Classification: Likely benign for Landau-Kleffner syndrome. Last evaluated: 2025-11-03. Review status: criteria provided, single submitter. Criteria: Invitae Variant Classification Sherloc (09022015). Collection method: clinical testing. Allele origin: germline.

GeneDx
Classification: Likely benign. Last evaluated: 2016-01-18. Review status: criteria provided, single submitter. Criteria: GeneDx Variant Classification (06012015). Collection method: clinical testing. Allele origin: germline. Affected: yes.
Comment: This variant is considered likely benign or benign based on one or more of the following criteria: it is a conservative change, it occurs at a poorly conserved position in the protein, it is predicted to be benign by multiple in silico algorithms, and/or has population frequency not consistent with disease.